The following is an entry in ClinVar:

NM_001206927.2(DNAH8):c.9041A>G (p.Asp3014Gly)

Gene: DNAH8 (dynein axonemal heavy chain 8; plus strand). Cytogenetic location: 6p21.2.
Variant type: single nucleotide variant.
Coding change: c.9041A>G on transcript NM_001206927.2 (MANE Select); coding-DNA position 9041, A replaced by G.
Protein change: p.Asp3014Gly; replaces aspartic acid 3014 with glycine.
Molecular consequence: missense variant.
Genome position (GRCh38, 1-based): chr6:38,898,358, A>G. VCF-style: chr6-38898358-A-G. GRCh37 (hg19) VCF-style: chr6-38866134-A-G.
Other names: c.8390A>G, p.Asp2797Gly (NM_001371.4); short protein forms D2797G, D3014G.
Identifiers: ClinVar variation 935193 (VCV000935193.8), dbSNP rs200370466, ClinGen allele CA3790368.

ClinVar aggregate classification (germline): Uncertain significance (1 of 4 stars; one submission).

Conditions:
Primary ciliary dyskinesia. Also called: Ciliary dyskinesia. Identifiers: Orphanet 244, MedGen C0008780, MONDO:0016575, HP:0012265.

Allele frequency attached by ClinVar (database versions not stated): ExAC 0.00002; gnomAD exomes 0.00003; gnomAD 0.00004 and 0.00005; TOPMed 0.00007; ESP Exome Variant Server 0.00008.
gnomAD v4.1: 53 of 1,580,530 alleles (0.0034%); highest among the groups gnomAD compares: Non-Finnish European, 0.0039%; no homozygotes.

Submission:

Labcorp Genetics (formerly Invitae), Labcorp
Classification: Uncertain significance for Primary ciliary dyskinesia. Last evaluated: 2023-12-11. Review status: criteria provided, single submitter. Criteria: Invitae Variant Classification Sherloc (09022015). Collection method: clinical testing. Allele origin: germline.
Comment: This sequence change replaces aspartic acid, which is acidic and polar, with glycine, which is neutral and non-polar, at codon 3014 of the DNAH8 protein (p.Asp3014Gly). This variant is present in population databases (rs200370466, gnomAD 0.005%). This variant has not been reported in the literature in individuals affected with DNAH8-related conditions. ClinVar contains an entry for this variant (Variation ID: 935193). Advanced modeling of protein sequence and biophysical properties (such as structural, functional, and spatial information, amino acid conservation, physicochemical variation, residue mobility, and thermodynamic stability) performed at Invitae indicates that this missense variant is expected to disrupt DNAH8 protein function with a positive predictive value of 80%. Algorithms developed to predict the effect of sequence changes on RNA splicing suggest that this variant may disrupt the consensus splice site. In summary, the available evidence is currently insufficient to determine the role of this variant in disease. Therefore, it has been classified as a Variant of Uncertain Significance.